The following is an entry in ClinVar:

NM_005654.6(NR2F1):c.92_93delinsAA (p.Arg31Gln)

Genes: NR2F1 (nuclear receptor subfamily 2 group F member 1; plus strand), NR2F1-AS1 (NR2F1 regulatory antisense RNA 1; minus strand). Cytogenetic location: 5q15.
Variant type: Indel.
Coding change: c.92_93delinsAA on transcript NM_005654.6 (MANE Select); coding-DNA positions 92 to 93, GC replaced by AA.
Protein change: p.Arg31Gln; replaces arginine 31 with glutamine.
Molecular consequence: missense variant.
Genome position (GRCh38, 1-based): chr5:93,585,115-93,585,116, GC replaced by AA. VCF-style: chr5-93585115-GC-AA. GRCh37 (hg19) VCF-style: chr5-92920821-GC-AA.
Other names: short protein forms R31Q.
Identifiers: ClinVar variation 1715789 (VCV001715789.6), dbSNP rs2480801102, ClinGen allele CA2580073786.
Genomic context (GRCh38, chr5:93,585,115, plus strand): 5'-CGCAGGACGACGTGGCCGGGGGCAACCCCGGCGGCCCCAACCCCGCAGCGCAGGCGGCCC[GC>AA]GGCGGCGGCGGCGGCGCCGGCGAGCAGCAGCAGCAGGCGGGCTCGGGCGCGCCGCACACG-3'
Protein context (NP_005645.1, residues 21-41): GGPNPAAQAA[Arg31Gln]GGGGGAGEQQ

ClinVar aggregate classification (germline): Uncertain significance (1 of 4 stars; one submission).

Submission:

Labcorp Genetics (formerly Invitae), Labcorp
Classification: Uncertain significance. Last evaluated: 2022-08-09. Review status: criteria provided, single submitter. Criteria: Invitae Variant Classification Sherloc (09022015). Collection method: clinical testing. Allele origin: germline.
Comment: In summary, the available evidence is currently insufficient to determine the role of this variant in disease. Therefore, it has been classified as a Variant of Uncertain Significance. This variant has not been reported in the literature in individuals affected with NR2F1-related conditions. Algorithms developed to predict the effect of missense changes on protein structure and function are either unavailable or do not agree on the potential impact of this missense change (SIFT: "Not Available"; PolyPhen-2: "Benign"; Align-GVGD: "Not Available"). The frequency data for this variant in the population databases is considered unreliable, as metrics indicate insufficient coverage at this position in the gnomAD database. This sequence change replaces arginine, which is basic and polar, with glutamine, which is neutral and polar, at codon 31 of the NR2F1 protein (p.Arg31Gln).